The following is an entry in ClinVar:

NM_001205293.3(CACNA1E):c.1131G>T (p.Glu377Asp)

Gene: CACNA1E (calcium voltage-gated channel subunit alpha1 E; plus strand). Cytogenetic location: 1q25.3.
Variant type: single nucleotide variant.
Coding change: c.1131G>T on transcript NM_001205293.3 (MANE Select); coding-DNA position 1131, G replaced by T.
Protein change: p.Glu377Asp; replaces glutamic acid 377 with aspartic acid.
Molecular consequence: missense variant.
Genome position (GRCh38, 1-based): chr1:181,711,029, G>T. VCF-style: chr1-181711029-G-T. GRCh37 (hg19) VCF-style: chr1-181680165-G-T.
Other names: c.1131G>T, p.Glu377Asp (NM_000721.4, NM_001205294.2); short protein forms E377D.
Identifiers: ClinVar variation 1314607 (VCV001314607.2), dbSNP rs1435631093, ClinGen allele CA343623173.

ClinVar aggregate classification (germline): Uncertain significance (1 of 4 stars; one submission).

Submission:

GeneDx
Classification: Uncertain significance. Last evaluated: 2021-04-16. Review status: criteria provided, single submitter. Criteria: GeneDx Variant Classification Process June 2021. Collection method: clinical testing. Allele origin: germline. Affected: yes.
Comment: Not observed in large population cohorts (Lek et al., 2016); In silico analysis supports that this missense variant has a deleterious effect on protein structure/function; Has not been previously published as pathogenic or benign to our knowledge